The following is an entry in ClinVar:

ClinVar aggregate classification (germline): Uncertain significance. Review status: criteria provided, multiple submitters, no conflicts (2 of 4 stars). 3 submissions from 3 submitters: Uncertain significance (3). Last evaluated 2026-07-09.

Conditions:
Cardiovascular phenotype. Identifiers: MedGen CN230736.
Dilated cardiomyopathy 1KK (CMD1KK). Identifiers: Orphanet 154, Orphanet 75249, MedGen C3714995, MONDO:0014100, OMIM 615248.

gnomAD v4.1: 7 of 1,614,058 alleles (0.00043%); highest among the groups gnomAD compares: Non-Finnish European, 0.00059%; no homozygotes.

Submissions (3):

Ambry Genetics
Classification: Uncertain significance for Cardiovascular phenotype. Last evaluated: 2026-07-09. Review status: criteria provided, single submitter. Criteria: Ambry Variant Classification Scheme 2023. Collection method: clinical testing. Allele origin: germline.
Comment: The p.P573S variant (also known as c.1717C>T), located in coding exon 9 of the MYPN gene, results from a C to T substitution at nucleotide position 1717. The proline at codon 573 is replaced by serine, an amino acid with similar properties. This amino acid position is conserved. In addition, this alteration is predicted to be tolerated by in silico analysis. Based on the available evidence, the clinical significance of this variant remains unclear.

Revvity Omics, Revvity
Classification: Uncertain significance. Last evaluated: 2023-10-17. Review status: criteria provided, single submitter. Criteria: ACMG Guidelines, 2015. Collection method: clinical testing. Allele origin: germline.

Labcorp Genetics (formerly Invitae), Labcorp
Classification: Uncertain significance for Dilated cardiomyopathy 1KK. Last evaluated: 2021-11-08. Review status: criteria provided, single submitter. Criteria: Invitae Variant Classification Sherloc (09022015). Collection method: clinical testing. Allele origin: germline.
Comment: This sequence change replaces proline, which is neutral and non-polar, with serine, which is neutral and polar, at codon 573 of the MYPN protein (p.Pro573Ser). This variant is not present in population databases (gnomAD no frequency). This variant has not been reported in the literature in individuals affected with MYPN-related conditions. ClinVar contains an entry for this variant (Variation ID: 643363). Algorithms developed to predict the effect of missense changes on protein structure and function (SIFT, PolyPhen-2, Align-GVGD) all suggest that this variant is likely to be tolerated. In summary, the available evidence is currently insufficient to determine the role of this variant in disease. Therefore, it has been classified as a Variant of Uncertain Significance.

NM_032578.4(MYPN):c.1717C>T (p.Pro573Ser)

Gene: MYPN (myopalladin; plus strand). Cytogenetic location: 10q21.3.
Variant type: single nucleotide variant.
Coding change: c.1717C>T on transcript NM_032578.4 (MANE Select); coding-DNA position 1717, C replaced by T.
Protein change: p.Pro573Ser; replaces proline 573 with serine.
Molecular consequence: missense variant. On other transcripts: non-coding transcript variant (2).
Genome position (GRCh38, 1-based): chr10:68,166,410, C>T. VCF-style: chr10-68166410-C-T. GRCh37 (hg19) VCF-style: chr10-69926167-C-T.
Other names: c.1717C>T, p.Pro573Ser (NM_001256267.2); c.835C>T, p.Pro279Ser (NM_001256268.2); c.1717C>T (NM_032578.2); short protein forms P573S, P279S.
Identifiers: ClinVar variation 643363 (VCV000643363.8), dbSNP rs779895608, ClinGen allele CA376839888.
Genomic context (GRCh38, chr10:68,166,410, plus strand): 5'-CTGGCAGCTATTGAGCCACAGCCCTCCCCACCCCACTCAGAGCCTCCATCTGTGGAACAA[C>T]CCCCCAAACCCAAACTCGAGGGGGTTCTGGTGAACCACAATGAGCCCCGGTCCAGCTCCA-3'
Protein context (NP_115967.2, residues 563-583): PHSEPPSVEQ[Pro573Ser]PKPKLEGVLV